The following is an entry in ClinVar:

ClinVar aggregate classification (germline): Uncertain significance (1 of 4 stars; one submission).

Allele frequency attached by ClinVar (database versions not stated): ExAC 0.00001; TOPMed 0.00001; gnomAD 0.00003.
gnomAD v4.1: 17 of 1,613,786 alleles (0.0011%); highest among the groups gnomAD compares: Admixed American, 0.0017%; no homozygotes.

Submission:

Labcorp Genetics (formerly Invitae), Labcorp
Classification: Uncertain significance. Last evaluated: 2022-03-28. Review status: criteria provided, single submitter. Criteria: Invitae Variant Classification Sherloc (09022015). Collection method: clinical testing. Allele origin: germline.
Comment: In summary, the available evidence is currently insufficient to determine the role of this variant in disease. Therefore, it has been classified as a Variant of Uncertain Significance. Algorithms developed to predict the effect of missense changes on protein structure and function (SIFT, PolyPhen-2, Align-GVGD) all suggest that this variant is likely to be tolerated. This variant has not been reported in the literature in individuals affected with GPC6-related conditions. This variant is present in population databases (rs751682331, gnomAD 0.01%). This sequence change replaces arginine, which is basic and polar, with glutamine, which is neutral and polar, at codon 167 of the GPC6 protein (p.Arg167Gln).

NM_005708.5(GPC6):c.500G>A (p.Arg167Gln)

Genes: GPC6 (glypican 6; plus strand), GPC6-AS2 (GPC6 antisense RNA 2; minus strand). Cytogenetic location: 13q31.3.
Variant type: single nucleotide variant.
Coding change: c.500G>A on transcript NM_005708.5 (MANE Select); coding-DNA position 500, G replaced by A.
Protein change: p.Arg167Gln; replaces arginine 167 with glutamine.
Molecular consequence: missense variant.
Genome position (GRCh38, 1-based): chr13:93,830,334, G>A. VCF-style: chr13-93830334-G-A. GRCh37 (hg19) VCF-style: chr13-94482587-G-A.
Other names: short protein forms R167Q.
Identifiers: ClinVar variation 1982979 (VCV001982979.3), dbSNP rs751682331, ClinGen allele CA7016871.
Genomic context (GRCh38, chr13:93,830,334, plus strand): 5'-AAAGGTACTACACTGGGGGTAATGTGAATCTGGAGGAAATGCTCAATGACTTTTGGGCTC[G>A]GCTCCTGGAACGGATGTTTCAGCTGATAAACCCTCAGTATCACTTCAGTGAAGACTACCT-3'
Protein context (NP_005699.1, residues 157-177): LEEMLNDFWA[Arg167Gln]LLERMFQLIN